The following is an entry in ClinVar:

NM_182961.4(SYNE1):c.15470A>T (p.Glu5157Val)

Gene: SYNE1 (spectrin repeat containing nuclear envelope protein 1; minus strand). Cytogenetic location: 6q25.2.
Variant type: single nucleotide variant.
Coding change: c.15470A>T on transcript NM_182961.4 (MANE Select); coding-DNA position 15470, A replaced by T.
Protein change: p.Glu5157Val; replaces glutamic acid 5157 with valine.
Molecular consequence: missense variant.
Genome position (GRCh38, 1-based): chr6:152,325,271, T>A on the plus strand (A>T on the coding strand, the complement: SYNE1 is on the minus strand). VCF-style: chr6-152325271-T-A. GRCh37 (hg19) VCF-style: chr6-152646406-T-A.
Other names: c.15257A>T, p.Glu5086Val (NM_033071.5); short protein forms E5086V, E5157V.
Identifiers: ClinVar variation 2125940 (VCV002125940.4), dbSNP rs2484609708, ClinGen allele CA366091330.

ClinVar aggregate classification (germline): Uncertain significance (1 of 4 stars; one submission).

Conditions:
Emery-Dreifuss muscular dystrophy 4, autosomal dominant (EDMD4). Also called: EMERY-DREIFUSS MUSCULAR DYSTROPHY 4 WITH VARIABLE FEATURES. Identifiers: Orphanet 261, MedGen C2751807, MONDO:0013071, OMIM 612998.
Autosomal recessive ataxia, Beauce type. Also called: SYNE1 Deficiency; Spinocerebellar ataxia, autosomal recessive 8; ATAXIA, RECESSIVE, OF BEAUCE; SYNE1-Related Autosomal Recessive Cerebellar Ataxia. Identifiers: Orphanet 88644, MedGen C1853116, MONDO:0012549, OMIM 610743.

Submission:

Labcorp Genetics (formerly Invitae), Labcorp
Classification: Uncertain significance for Emery-Dreifuss muscular dystrophy 4, autosomal dominant; Autosomal recessive ataxia, Beauce type. Last evaluated: 2022-04-13. Review status: criteria provided, single submitter. Criteria: Invitae Variant Classification Sherloc (09022015). Collection method: clinical testing. Allele origin: germline.
Comment: This sequence change replaces glutamic acid, which is acidic and polar, with valine, which is neutral and non-polar, at codon 5086 of the SYNE1 protein (p.Glu5086Val). This variant is not present in population databases (gnomAD no frequency). This variant has not been reported in the literature in individuals affected with SYNE1-related conditions. Algorithms developed to predict the effect of missense changes on protein structure and function are either unavailable or do not agree on the potential impact of this missense change (SIFT: "Deleterious"; PolyPhen-2: "Benign"; Align-GVGD: "Class C35"). In summary, the available evidence is currently insufficient to determine the role of this variant in disease. Therefore, it has been classified as a Variant of Uncertain Significance.